The following is an entry in ClinVar:

NM_004380.3(CREBBP):c.6384_6401dup (p.Gln2128_Met2133dup)

Gene: CREBBP (CREB binding lysine acetyltransferase; minus strand). Cytogenetic location: 16p13.3.
Variant type: Duplication.
Coding change: c.6384_6401dup on transcript NM_004380.3 (MANE Select); coding-DNA positions 6384 to 6401, 18 bases duplicated (ACCCCAGCCTGGCATGCA).
Protein change: p.Gln2128_Met2133dup.
Molecular consequence: inframe insertion.
Genome position (GRCh38, 1-based): chr16:3,728,646-3,728,663, TGCATGCCAGGCTGGGGT duplicated on the plus strand (ACCCCAGCCTGGCATGCA on the coding strand, the reverse complement: CREBBP is on the minus strand); duplicating any 18 consecutive bases within chr16:3,728,646-3,728,671 gives the same sequence; the c. name uses the placement nearest the transcript's 3' end. VCF-style (leftmost placement, unchanged base first): chr16-3728645-G-GTGCATGCCAGGCTGGGGT. GRCh37 (hg19) VCF-style: chr16-3778646-G-GTGCATGCCAGGCTGGGGT.
Other names: c.6270_6287dup, p.Gln2090_Met2095dup (NM_001079846.1); c.6384_6401dup (NM_004380.2).
Identifiers: ClinVar variation 1421569 (VCV001421569.7), dbSNP rs772003652, ClinGen allele CA7869121.

ClinVar aggregate classification (germline): Uncertain significance. Review status: criteria provided, multiple submitters, no conflicts (2 of 4 stars). 2 submissions from 2 submitters: Uncertain significance (2). Last evaluated 2024-04-27.

Conditions:
Rubinstein-Taybi syndrome (RSTS). Identifiers: Orphanet 783, MedGen C0035934, MONDO:0019188.
Rubinstein-Taybi syndrome due to CREBBP mutations (RSTS1). Also called: RUBINSTEIN-TAYBI SYNDROME 1, INCOMPLETE; BROAD THUMBS AND GREAT TOES, CHARACTERISTIC FACIES, AND IMPAIRED INTELLECTUAL DEVELOPMENT; BROAD THUMB-HALLUX SYNDROME; CREBBP-Related Rubinstein-Taybi Syndrome; Rubinstein-Taybi syndrome 1; RUBINSTEIN SYNDROME. Identifiers: Orphanet 353277, Orphanet 783, MedGen C4551859, MONDO:0008393, OMIM 180849.
Menke-Hennekam syndrome 1 (MKHK1). Identifiers: MedGen C5193034, MONDO:0020763, OMIM 618332.

Submissions (2):

Fulgent Genetics
Classification: Uncertain significance for Rubinstein-Taybi syndrome due to CREBBP mutations; Menke-Hennekam syndrome 1. Last evaluated: 2024-04-27. Review status: criteria provided, single submitter. Criteria: ACMG Guidelines, 2015. Collection method: clinical testing. Allele origin: germline.

Labcorp Genetics (formerly Invitae), Labcorp
Classification: Uncertain significance for Rubinstein-Taybi syndrome. Last evaluated: 2022-08-23. Review status: criteria provided, single submitter. Criteria: Invitae Variant Classification Sherloc (09022015). Collection method: clinical testing. Allele origin: germline.
Comment: This variant, c.6384_6401dup, results in the insertion of 6 amino acid(s) of the CREBBP protein (p.Gln2128_Met2133dup), but otherwise preserves the integrity of the reading frame. The frequency data for this variant in the population databases is considered unreliable, as metrics indicate poor data quality at this position in the gnomAD database. This variant has not been reported in the literature in individuals affected with CREBBP-related conditions. ClinVar contains an entry for this variant (Variation ID: 1421569). Experimental studies and prediction algorithms are not available or were not evaluated, and the functional significance of this variant is currently unknown. In summary, the available evidence is currently insufficient to determine the role of this variant in disease. Therefore, it has been classified as a Variant of Uncertain Significance.